The following is an entry in ClinVar:

NM_152419.3(HGSNAT):c.636G>T (p.Glu212Asp)

Gene: HGSNAT (heparan-alpha-glucosaminide N-acetyltransferase; plus strand). Cytogenetic location: 8p11.21.
Variant type: single nucleotide variant.
Coding change: c.636G>T on transcript NM_152419.3 (MANE Select); coding-DNA position 636, G replaced by T.
Protein change: p.Glu212Asp; replaces glutamic acid 212 with aspartic acid.
Molecular consequence: missense variant. On other transcripts: 5 prime UTR variant (1).
Genome position (GRCh38, 1-based): chr8:43,170,587, G>T. VCF-style: chr8-43170587-G-T. GRCh37 (hg19) VCF-style: chr8-43025730-G-T.
Other names: c.636G>T (NM_152419.2); c.636G>T, p.Glu212Asp (NM_001363227.2, NM_001363228.2); c.-198G>T (NM_001363229.2); short protein forms E212D.
Identifiers: ClinVar variation 1059645 (VCV001059645.4), dbSNP rs774990357, ClinGen allele CA4736575.
Genomic context (GRCh38, chr8:43,170,587, plus strand): 5'-AAATGAAATTTACCCCTTAGCATTATGAGTTGTCATCTTTCTCCCTTTTTTTCTGAAGGA[G>T]CTGGGATCTCCCAGCAGGACAGACCCTCTCGATGGTGATGTTCAGCCAGCAACGTGGCGT-3'
Protein context (NP_689632.2, residues 202-222): SRETDRLINS[Glu212Asp]LGSPSRTDPL

ClinVar aggregate classification (germline): Uncertain significance. Review status: criteria provided, multiple submitters, no conflicts (2 of 4 stars). 3 submissions from 3 submitters: Uncertain significance (2). 1 of the submissions does not count toward it. Last evaluated 2025-02-20.

Conditions:
Inborn genetic diseases. Identifiers: MedGen C0950123, MeSH D030342.
Mucopolysaccharidosis, MPS-III-C (MPS3C). Also called: MPS IIIC (Sanfilippo Syndrome Type C); MUCOPOLYSACCHARIDOSIS, TYPE IIIC; Mucopolysaccharidosis type IIIC (Sanfilippo C); mucopolysaccharidosis type 3C; SANFILIPPO SYNDROME C; MPS III C. Identifiers: Orphanet 581, Orphanet 79271, MedGen C0086649, MONDO:0009657, OMIM 252930.
Retinitis pigmentosa 73 (RP73). Identifiers: Orphanet 791, MedGen C4225287, MONDO:0014687, OMIM 616544.

Allele frequency attached by ClinVar (database versions not stated): TOPMed 0.00002; gnomAD 0.00002; gnomAD exomes 0.00003 and 0.00008; ExAC 0.00002.

Submissions (3):

Ambry Genetics
Classification: Uncertain significance for Inborn genetic diseases. Last evaluated: 2025-02-20. Review status: criteria provided, single submitter. Criteria: Ambry Variant Classification Scheme 2023. Collection method: clinical testing. Allele origin: germline.

Labcorp Genetics (formerly Invitae), Labcorp
Classification: Uncertain significance for Retinitis pigmentosa 73; Mucopolysaccharidosis, MPS-III-C. Last evaluated: 2022-07-05. Review status: criteria provided, single submitter. Criteria: Invitae Variant Classification Sherloc (09022015). Collection method: clinical testing. Allele origin: germline.
Comment: This sequence change replaces glutamic acid, which is acidic and polar, with aspartic acid, which is acidic and polar, at codon 212 of the HGSNAT protein (p.Glu212Asp). This variant is present in population databases (rs774990357, gnomAD 0.006%). This variant has not been reported in the literature in individuals affected with HGSNAT-related conditions. ClinVar contains an entry for this variant (Variation ID: 1059645). Algorithms developed to predict the effect of missense changes on protein structure and function output the following: SIFT: "Deleterious"; PolyPhen-2: "Benign"; Align-GVGD: "Class C0". The aspartic acid amino acid residue is found in multiple mammalian species, which suggests that this missense change does not adversely affect protein function. In summary, the available evidence is currently insufficient to determine the role of this variant in disease. Therefore, it has been classified as a Variant of Uncertain Significance.

Natera, Inc.
Classification: Uncertain significance for Mucopolysaccharidosis type IIIC. Last evaluated: 2020-04-30. Review status: no assertion criteria provided. Collection method: clinical testing. Allele origin: germline. Not counted in ClinVar's aggregate classification.